The following is an entry in ClinVar:

NM_007279.3(U2AF2):c.1410C>A (p.His470Gln)

Gene: U2AF2 (U2 small nuclear RNA auxiliary factor 2; plus strand). Cytogenetic location: 19q13.42.
Variant type: single nucleotide variant.
Coding change: c.1410C>A on transcript NM_007279.3 (MANE Select); coding-DNA position 1410, C replaced by A.
Protein change: p.His470Gln; replaces histidine 470 with glutamine.
Molecular consequence: missense variant.
Genome position (GRCh38, 1-based): chr19:55,674,050, C>A. VCF-style: chr19-55674050-C-A. GRCh37 (hg19) VCF-style: chr19-56185416-C-A.
Other names: c.1398C>A, p.His466Gln (NM_001012478.2); short protein forms H466Q, H470Q.
Identifiers: ClinVar variation 4194582 (VCV004194582.5).

ClinVar aggregate classification (germline): Uncertain significance. Review status: criteria provided, multiple submitters, no conflicts (2 of 4 stars). 2 submissions from 2 submitters: Uncertain significance (2). Last evaluated 2026-03-01.

Conditions:
Inborn genetic diseases. Identifiers: MedGen C0950123, MeSH D030342.

gnomAD v4.1: 1 of 1,612,240 alleles (0.000062%); highest among the groups gnomAD compares: Non-Finnish European, 0.000085%; no homozygotes.

Submissions (2):

CeGaT Center for Human Genetics Tuebingen
Classification: Uncertain significance. Last evaluated: 2026-03-01. Review status: criteria provided, single submitter. Criteria: CeGaT Center For Human Genetics Tuebingen Variant Classification Criteria Version 2. Collection method: clinical testing. Allele origin: germline. Affected: yes. Observed: 1 variant allele.
Comment: U2AF2: PM2, PP2

Ambry Genetics
Classification: Uncertain significance for Inborn genetic diseases. Last evaluated: 2025-07-03. Review status: criteria provided, single submitter. Criteria: Ambry Variant Classification Scheme 2023. Collection method: clinical testing. Allele origin: germline.